The following is an entry in ClinVar:

ClinVar aggregate classification (germline): Uncertain significance (1 of 4 stars; one submission).

Submission:

GeneDx
Classification: Uncertain significance. Last evaluated: 2024-10-15. Review status: criteria provided, single submitter. Criteria: GeneDx Variant Classification Process June 2021. Collection method: clinical testing. Allele origin: germline. Affected: yes.
Comment: Not observed at significant frequency in large population cohorts (gnomAD); In silico analysis supports that this missense variant has a deleterious effect on protein structure/function; Has not been previously published as pathogenic or benign to our knowledge

NM_005334.3(HCFC1):c.628G>A (p.Glu210Lys)

Gene: HCFC1 (host cell factor C1; minus strand). Cytogenetic location: Xq28.
Variant type: single nucleotide variant.
Coding change: c.628G>A on transcript NM_005334.3 (MANE Select); coding-DNA position 628, G replaced by A.
Protein change: p.Glu210Lys; replaces glutamic acid 210 with lysine.
Molecular consequence: missense variant.
Genome position (GRCh38, 1-based): chrX:153,963,309, C>T on the plus strand (G>A on the coding strand, the complement: HCFC1 is on the minus strand). VCF-style: chrX-153963309-C-T. GRCh37 (hg19) VCF-style: chrX-153228760-C-T.
Other names: c.628G>A, p.Glu210Lys (NM_001410705.1); short protein forms E210K.
Identifiers: ClinVar variation 3781164 (VCV003781164.1).